The following is an entry in ClinVar:

NM_153026.3(PRICKLE1):c.2380T>C (p.Tyr794His)

Gene: PRICKLE1 (prickle planar cell polarity protein 1; minus strand). Cytogenetic location: 12q12.
Variant type: single nucleotide variant.
Coding change: c.2380T>C on transcript NM_153026.3 (MANE Select); coding-DNA position 2380, T replaced by C.
Protein change: p.Tyr794His; replaces tyrosine 794 with histidine.
Molecular consequence: missense variant.
Genome position (GRCh38, 1-based): chr12:42,459,925, A>G on the plus strand (T>C on the coding strand, the complement: PRICKLE1 is on the minus strand). VCF-style: chr12-42459925-A-G. GRCh37 (hg19) VCF-style: chr12-42853727-A-G.
Other names: c.2380T>C, p.Tyr794His (NM_001144881.2, NM_001144882.2, NM_001144883.2); short protein forms Y794H.
Identifiers: ClinVar variation 570567 (VCV000570567.6), dbSNP rs201705679, ClinGen allele CA6519607.
Genomic context (GRCh38, chr12:42,459,925, plus strand): 5'-TCCTCTGACCAAACTGAGGGGTGGGAAGTGCAGATGGTGGACTAGAAAGGTCATCTGTAT[A>G]GTAGGCAAATCTCTGTGGCCGGGGTTGAGGGATTGGTTGTCCAAGAAAATATCCTTCTTC-3'
Protein context (NP_694571.2, residues 784-804): PQPRPQRFAY[Tyr794His]TDDLSSPPSA

ClinVar aggregate classification (germline): Uncertain significance (1 of 4 stars; one submission).

Conditions:
Epilepsy, progressive myoclonic, 1B. Also called: PME. Identifiers: Orphanet 308, MedGen C2676254, MONDO:0012904, OMIM 612437.

Allele frequency attached by ClinVar (database versions not stated): gnomAD exomes 0.00001 and 0.00002; TOPMed 0.00001; ExAC 0.00002.
gnomAD v4.1: 12 of 1,614,168 alleles (0.00074%); highest among the groups gnomAD compares: Middle Eastern, 0.016%; no homozygotes.

Submission:

Labcorp Genetics (formerly Invitae), Labcorp
Classification: Uncertain significance for Epilepsy, progressive myoclonic, 1B. Last evaluated: 2022-09-07. Review status: criteria provided, single submitter. Criteria: Invitae Variant Classification Sherloc (09022015). Collection method: clinical testing. Allele origin: germline.
Comment: This sequence change replaces tyrosine, which is neutral and polar, with histidine, which is basic and polar, at codon 794 of the PRICKLE1 protein (p.Tyr794His). This variant is present in population databases (rs201705679, gnomAD 0.01%). This variant has not been reported in the literature in individuals affected with PRICKLE1-related conditions. ClinVar contains an entry for this variant (Variation ID: 570567). Algorithms developed to predict the effect of missense changes on protein structure and function (SIFT, PolyPhen-2, Align-GVGD) all suggest that this variant is likely to be disruptive. In summary, the available evidence is currently insufficient to determine the role of this variant in disease. Therefore, it has been classified as a Variant of Uncertain Significance.